The following is an entry in ClinVar:

ClinVar aggregate classification (germline): Uncertain significance (1 of 4 stars; one submission).

Allele frequency attached by ClinVar (database versions not stated): TOPMed 0.00001.

Submission:

GeneDx
Classification: Uncertain significance. Last evaluated: 2021-01-12. Review status: criteria provided, single submitter. Criteria: GeneDx Variant Classification Process June 2021. Collection method: clinical testing. Allele origin: germline. Affected: yes.
Comment: Not observed in large population cohorts (Lek et al., 2016); In silico analysis supports that this missense variant does not alter protein structure/function; Has not been previously published as pathogenic or benign to our knowledge

NM_198503.5(KCNT2):c.1361C>T (p.Thr454Ile)

Gene: KCNT2 (potassium sodium-activated channel subfamily T member 2; minus strand). Cytogenetic location: 1q31.3.
Variant type: single nucleotide variant.
Coding change: c.1361C>T on transcript NM_198503.5 (MANE Select); coding-DNA position 1361, C replaced by T.
Protein change: p.Thr454Ile; replaces threonine 454 with isoleucine.
Molecular consequence: missense variant. On other transcripts: non-coding transcript variant (1).
Genome position (GRCh38, 1-based): chr1:196,373,182, G>A on the plus strand (C>T on the coding strand, the complement: KCNT2 is on the minus strand). VCF-style: chr1-196373182-G-A. GRCh37 (hg19) VCF-style: chr1-196342312-G-A.
Other names: c.1361C>T, p.Thr454Ile (NM_001287819.3, NM_001287820.3); short protein forms T454I.
Identifiers: ClinVar variation 1313982 (VCV001313982.2), dbSNP rs1668677136, ClinGen allele CA344080261.